The following is an entry in ClinVar:

NM_001130987.2(DYSF):c.2023C>T (p.Pro675Ser)

Gene: DYSF (dysferlin; plus strand). Cytogenetic location: 2p13.2.
Variant type: single nucleotide variant.
Coding change: c.2023C>T on transcript NM_001130987.2 (MANE Select); coding-DNA position 2023, C replaced by T.
Protein change: p.Pro675Ser; replaces proline 675 with serine.
Molecular consequence: missense variant.
Genome position (GRCh38, 1-based): chr2:71,553,845, C>T. VCF-style: chr2-71553845-C-T. GRCh37 (hg19) VCF-style: chr2-71780975-C-T.
Other names: c.1972C>T, p.Pro658Ser (NM_001130455.2, NM_001130983.2); c.1927C>T, p.Pro643Ser (NM_001130976.2, NM_001130977.2); c.1969C>T, p.Pro657Ser (NM_001130978.2, NM_003494.4); c.2062C>T, p.Pro688Ser (NM_001130979.2); c.2020C>T, p.Pro674Ser (NM_001130980.2, NM_001130981.2); c.2065C>T, p.Pro689Ser (NM_001130982.2); c.1930C>T, p.Pro644Ser (NM_001130984.2, NM_001130986.2); c.2023C>T, p.Pro675Ser (NM_001130985.2); and 1 more; short protein forms P643S, P644S, P657S, P658S, P674S, P675S, P688S, P689S.
Identifiers: ClinVar variation 1025580 (VCV001025580.9), dbSNP rs2091143336, ClinGen allele CA347218873.

ClinVar aggregate classification (germline): Uncertain significance. Review status: criteria provided, single submitter (1 of 4 stars). 2 submissions from 2 submitters: Uncertain significance (1). 1 of the submissions does not count toward it. Last evaluated 2025-03-05.

Conditions:
Autosomal recessive limb-girdle muscular dystrophy type 2B (LGMDR2). Also called: Limb-Girdle Muscular Dystrophy Type 2B (LGMD2B); Limb-girdle muscular dystrophy, type 2B; MUSCULAR DYSTROPHY, LIMB-GIRDLE, AUTOSOMAL RECESSIVE 2; MUSCULAR DYSTROPHY, LIMB-GIRDLE, TYPE 3. Identifiers: Orphanet 268, MedGen C1850889, MONDO:0009676, OMIM 253601.
Neuromuscular disease caused by qualitative or quantitative defects of dysferlin. Also called: Qualitative or quantitative defects of dysferlin; Dysferlinopathy. Identifiers: Orphanet 207073, MedGen C2931687, MONDO:0016145.

Submissions (2):

Labcorp Genetics (formerly Invitae), Labcorp
Classification: Uncertain significance for Neuromuscular disease caused by qualitative or quantitative defects of dysferlin. Last evaluated: 2025-03-05. Review status: criteria provided, single submitter. Criteria: Invitae Variant Classification Sherloc (09022015). Collection method: clinical testing. Allele origin: germline.
Comment: This sequence change replaces proline, which is neutral and non-polar, with serine, which is neutral and polar, at codon 657 of the DYSF protein (p.Pro657Ser). This variant is not present in population databases (gnomAD no frequency). This variant has not been reported in the literature in individuals affected with DYSF-related conditions. ClinVar contains an entry for this variant (Variation ID: 1025580). Invitae Evidence Modeling of protein sequence and biophysical properties (such as structural, functional, and spatial information, amino acid conservation, physicochemical variation, residue mobility, and thermodynamic stability) indicates that this missense variant is expected to disrupt DYSF protein function with a positive predictive value of 95%. In summary, the available evidence is currently insufficient to determine the role of this variant in disease. Therefore, it has been classified as a Variant of Uncertain Significance.

Natera, Inc.
Classification: Uncertain significance for Limb-girdle muscular dystrophy type 2B. Last evaluated: 2025-01-09. Review status: no assertion criteria provided. Collection method: clinical testing. Allele origin: germline. Not counted in ClinVar's aggregate classification.